The following is an entry in ClinVar:

NM_021738.3(SVIL):c.870C>T (p.Ser290=)

Gene: SVIL (supervillin; minus strand). Cytogenetic location: 10p11.23.
Variant type: single nucleotide variant.
Coding change: c.870C>T on transcript NM_021738.3 (MANE Select); coding-DNA position 870, C replaced by T.
Protein change: p.Ser290=; no amino-acid change (serine 290 retained).
Molecular consequence: synonymous variant. On other transcripts: intron variant (2).
Genome position (GRCh38, 1-based): chr10:29,536,027, G>A on the plus strand (C>T on the coding strand, the complement: SVIL is on the minus strand). VCF-style: chr10-29536027-G-A. GRCh37 (hg19) VCF-style: chr10-29824956-G-A.
Other names: c.870C>T, p.Ser290= (NM_001323599.2); c.828-4739C>T (NM_001323600.1, NM_003174.3).
Identifiers: ClinVar variation 1706693 (VCV001706693.17), dbSNP rs143011277, ClinGen allele CA5457611.

ClinVar aggregate classification (germline): Likely benign. Review status: criteria provided, multiple submitters, no conflicts (2 of 4 stars). 3 submissions from 3 submitters: Likely benign (3). Last evaluated 2026-09-01.

Allele frequency attached by ClinVar (database versions not stated): 1000 Genomes Project 30x 0.00109; 1000 Genomes Project 0.00120; ExAC 0.00287; TOPMed 0.00311; gnomAD 0.00316; gnomAD exomes 0.00355; ESP Exome Variant Server 0.00369.
gnomAD v4.1: 5,659 of 1,614,186 alleles (0.35%); highest among the groups gnomAD compares: Non-Finnish European, 0.42%; 17 homozygotes.

Submissions (3):

CeGaT Center for Human Genetics Tuebingen
Classification: Likely benign. Last evaluated: 2026-09-01. Review status: criteria provided, single submitter. Criteria: CeGaT Center For Human Genetics Tuebingen Variant Classification Criteria Version 2. Collection method: clinical testing. Allele origin: germline. Affected: yes. Observed: 6 variant alleles.
Comment: SVIL: BP4, BP7, BS2

Blueprint Genetics
Classification: Likely benign. Last evaluated: 2024-11-19. Review status: criteria provided, single submitter. Criteria: ACMG Guidelines, 2015. Collection method: clinical testing. Allele origin: germline.

GeneDx
Classification: Likely benign. Last evaluated: 2018-08-06. Review status: criteria provided, single submitter. Criteria: GeneDx Variant Classification Process June 2021. Collection method: clinical testing. Allele origin: germline. Affected: yes.
Comment: See Variant Classification Assertion Criteria.